The following is an entry in ClinVar:

ClinVar aggregate classification (germline): Uncertain significance. Review status: criteria provided, multiple submitters, no conflicts (2 of 4 stars). 4 submissions from 4 submitters: Uncertain significance (4). Last evaluated 2024-05-30.

Conditions:
Wilson disease (WND). Also called: Wilson's disease. Identifiers: Orphanet 905, MedGen C0019202, MONDO:0010200, OMIM 277900. Disease mechanism: loss of function.

Allele frequency attached by ClinVar (database versions not stated): TOPMed 0.00001; ExAC 0.00002; gnomAD 0.00006.
gnomAD v4.1: 23 of 1,614,060 alleles (0.0014%); highest among the groups gnomAD compares: African/African-American, 0.011%; no homozygotes.

Submissions (4):

All of Us Research Program, National Institutes of Health
Classification: Uncertain significance for Wilson disease. Last evaluated: 2024-05-30. Review status: criteria provided, single submitter. Criteria: ACMG Guidelines, 2015. Collection method: clinical testing. Allele origin: germline. Inheritance: Autosomal recessive inheritance. Observed: 2 variant alleles, 2 heterozygotes.
Comment: This missense variant replaces valine with methionine at codon 731 of the ATP7B protein. Computational prediction suggests that this variant may have deleterious impact on protein structure and function (internally defined REVEL score threshold >= 0.7, PMID: 27666373). To our knowledge, functional studies have not been reported for this variant. This variant has not been reported in individuals affected with ATP7B-related disorders in the literature. This variant has been identified in 7/280984 chromosomes in the general population by the Genome Aggregation Database (gnomAD). The available evidence is insufficient to determine the role of this variant in disease conclusively. Therefore, this variant is classified as a Variant of Uncertain Significance.

This study involves interpretation of variants in research participants for the purpose of population health screening. Participant phenotype was not available at the time of variant classification. Additional details can be found in publication PMID: 35346344, PMCID: PMC8962531

Color Diagnostics, LLC DBA Color Health
Classification: Uncertain significance for Wilson disease. Last evaluated: 2024-02-03. Review status: criteria provided, single submitter. Criteria: ACMG Guidelines, 2015. Collection method: clinical testing. Allele origin: germline.
Comment: This missense variant replaces valine with methionine at codon 731 of the ATP7B protein. Computational prediction suggests that this variant may have deleterious impact on protein structure and function. To our knowledge, functional studies have not been reported for this variant. This variant has not been reported in individuals affected with ATP7B-related disorders in the literature. This variant has been identified in 7/280984 chromosomes in the general population by the Genome Aggregation Database (gnomAD). The available evidence is insufficient to determine the role of this variant in disease conclusively. Therefore, this variant is classified as a Variant of Uncertain Significance.

Labcorp Genetics (formerly Invitae), Labcorp
Classification: Uncertain significance for Wilson disease. Last evaluated: 2022-05-29. Review status: criteria provided, single submitter. Criteria: Invitae Variant Classification Sherloc (09022015). Collection method: clinical testing. Allele origin: germline.
Comment: This sequence change replaces valine, which is neutral and non-polar, with methionine, which is neutral and non-polar, at codon 731 of the ATP7B protein (p.Val731Met). This variant is present in population databases (rs762746959, gnomAD 0.02%). This variant has not been reported in the literature in individuals affected with ATP7B-related conditions. ClinVar contains an entry for this variant (Variation ID: 289085). Advanced modeling of protein sequence and biophysical properties (such as structural, functional, and spatial information, amino acid conservation, physicochemical variation, residue mobility, and thermodynamic stability) performed at Invitae indicates that this missense variant is expected to disrupt ATP7B protein function. In summary, the available evidence is currently insufficient to determine the role of this variant in disease. Therefore, it has been classified as a Variant of Uncertain Significance.

Eurofins Ntd Llc (ga)
Classification: Uncertain significance. Last evaluated: 2016-06-22. Review status: criteria provided, single submitter. Criteria: EGL Classification Definitions 2015. Collection method: clinical testing. Allele origin: germline. Observed: 1 variant allele, 1 heterozygote.

NM_000053.4(ATP7B):c.2191G>A (p.Val731Met)

Gene: ATP7B (ATPase copper transporting beta; minus strand). Cytogenetic location: 13q14.3.
Variant type: single nucleotide variant.
Coding change: c.2191G>A on transcript NM_000053.4 (MANE Select); coding-DNA position 2191, G replaced by A.
Protein change: p.Val731Met; replaces valine 731 with methionine.
Molecular consequence: missense variant. On other transcripts: intron variant (2).
Genome position (GRCh38, 1-based): chr13:51,958,475, C>T on the plus strand (G>A on the coding strand, the complement: ATP7B is on the minus strand). VCF-style: chr13-51958475-C-T. GRCh37 (hg19) VCF-style: chr13-52532611-C-T.
Other names: c.1858G>A, p.Val620Met (NM_001243182.2); c.1939G>A, p.Val647Met (NM_001330579.2); c.1870-868G>A (NM_001005918.3); c.2122-868G>A (NM_001330578.2); short protein forms V731M, V647M, V620M.
Identifiers: ClinVar variation 289085 (VCV000289085.8), dbSNP rs762746959, ClinGen allele CA6989088.